The following is an entry in ClinVar:

ClinVar aggregate classification (germline): Uncertain significance. Review status: criteria provided, multiple submitters, no conflicts (2 of 4 stars). 3 submissions from 3 submitters: Uncertain significance (3). Last evaluated 2025-12-16.

Conditions:
Inborn genetic diseases. Identifiers: MedGen C0950123, MeSH D030342.

Allele frequency attached by ClinVar (database versions not stated): gnomAD exomes below 0.00001 and 0.00003; ExAC 0.00001; gnomAD 0.00001; TOPMed 0.00002.
gnomAD v4.1: 42 of 1,613,994 alleles (0.0026%); highest among the groups gnomAD compares: Non-Finnish European, 0.0034%; no homozygotes.

Submissions (3):

Ambry Genetics
Classification: Uncertain significance for Inborn genetic diseases. Last evaluated: 2025-12-16. Review status: criteria provided, single submitter. Criteria: Ambry Variant Classification Scheme 2023. Collection method: clinical testing. Allele origin: germline.

Labcorp Genetics (formerly Invitae), Labcorp
Classification: Uncertain significance. Last evaluated: 2024-11-05. Review status: criteria provided, single submitter. Criteria: Invitae Variant Classification Sherloc (09022015). Collection method: clinical testing. Allele origin: germline.
Comment: This sequence change replaces glutamine, which is neutral and polar, with proline, which is neutral and non-polar, at codon 253 of the ARHGEF18 protein (p.Gln253Pro). This variant is present in population databases (rs755283090, gnomAD 0.0009%). This variant has not been reported in the literature in individuals affected with ARHGEF18-related conditions. ClinVar contains an entry for this variant (Variation ID: 953998). An algorithm developed to predict the effect of missense changes on protein structure and function (PolyPhen-2) suggests that this variant is likely to be disruptive. In summary, the available evidence is currently insufficient to determine the role of this variant in disease. Therefore, it has been classified as a Variant of Uncertain Significance.

Blueprint Genetics
Classification: Uncertain significance. Last evaluated: 2022-06-13. Review status: criteria provided, single submitter. Criteria: ACMG Guidelines, 2015. Collection method: clinical testing. Allele origin: germline.

NM_001367823.1(ARHGEF18):c.1322A>C (p.Gln441Pro)

Gene: ARHGEF18 (Rho/Rac guanine nucleotide exchange factor 18; plus strand). Cytogenetic location: 19p13.2.
Variant type: single nucleotide variant.
Coding change: c.1322A>C on transcript NM_001367823.1 (MANE Select); coding-DNA position 1322, A replaced by C.
Protein change: p.Gln441Pro; replaces glutamine 441 with proline.
Molecular consequence: missense variant.
Genome position (GRCh38, 1-based): chr19:7,442,014, A>C. VCF-style: chr19-7442014-A-C. GRCh37 (hg19) VCF-style: chr19-7506900-A-C.
Other names: c.596A>C, p.Gln199Pro (NM_001130955.2); c.284A>C, p.Gln95Pro (NM_001367824.1, NM_015318.4); short protein forms Q95P, Q199P, Q441P.
Identifiers: ClinVar variation 953998 (VCV000953998.11), dbSNP rs755283090, ClinGen allele CA9136431.